The following is an entry in ClinVar:

ClinVar aggregate classification (germline): Uncertain significance (1 of 4 stars; one submission).

Conditions:
Congenital myotonia, autosomal dominant form (THD). Also called: THOMSEN DISEASE; Myotonia congenita autosomal dominant. Identifiers: Orphanet 614, MedGen C2936781, MONDO:0008055, OMIM 160800.
Congenital myotonia, autosomal recessive form. Also called: Becker Generalized Myotonia; myotonia congenita, autosomal recessive; BECKER DISEASE. Identifiers: Orphanet 614, MedGen C0751360, MONDO:0009715, OMIM 255700.

gnomAD v4.1: 1 of 1,608,924 alleles (0.000062%); highest among the groups gnomAD compares: African/African-American, 0.0013%; no homozygotes.

Submission:

Labcorp Genetics (formerly Invitae), Labcorp
Classification: Uncertain significance for Congenital myotonia, autosomal recessive form; Congenital myotonia, autosomal dominant form. Last evaluated: 2024-06-04. Review status: criteria provided, single submitter. Criteria: Invitae Variant Classification Sherloc (09022015). Collection method: clinical testing. Allele origin: germline.
Comment: This sequence change replaces methionine, which is neutral and non-polar, with lysine, which is basic and polar, at codon 470 of the CLCN1 protein (p.Met470Lys). This variant is not present in population databases (gnomAD no frequency). This variant has not been reported in the literature in individuals affected with CLCN1-related conditions. Advanced modeling of protein sequence and biophysical properties (such as structural, functional, and spatial information, amino acid conservation, physicochemical variation, residue mobility, and thermodynamic stability) performed at Invitae indicates that this missense variant is expected to disrupt CLCN1 protein function with a positive predictive value of 95%. In summary, the available evidence is currently insufficient to determine the role of this variant in disease. Therefore, it has been classified as a Variant of Uncertain Significance.

NM_000083.3(CLCN1):c.1409T>A (p.Met470Lys)

Gene: CLCN1 (chloride voltage-gated channel 1; plus strand). Cytogenetic location: 7q34.
Variant type: single nucleotide variant.
Coding change: c.1409T>A on transcript NM_000083.3 (MANE Select); coding-DNA position 1409, T replaced by A.
Protein change: p.Met470Lys; replaces methionine 470 with lysine.
Molecular consequence: missense variant. On other transcripts: non-coding transcript variant (1).
Genome position (GRCh38, 1-based): chr7:143,339,260, T>A. VCF-style: chr7-143339260-T-A. GRCh37 (hg19) VCF-style: chr7-143036353-T-A.
Other names: short protein forms M470K.
Identifiers: ClinVar variation 3754131 (VCV003754131.2).
Genomic context (GRCh38, chr7:143,339,260, plus strand): 5'-CATGTCTATTGGGCAGAGTTGAAAGGGTATTCCAACGCTTCTTTCTACTCCAGTTCTGGA[T>A]GTCCATCGTGGCCACCACTATGCCCATACCCTGCGGAGGCTTCATGCCTGTGTTTGTGCT-3'
Protein context (NP_000074.3, residues 460-480): IFLFFVMKFW[Met470Lys]SIVATTMPIP